The following is an entry in ClinVar:

ClinVar aggregate classification (germline): Benign/Likely benign. Review status: criteria provided, multiple submitters, no conflicts (2 of 4 stars). 5 submissions from 5 submitters: Benign (1); Likely benign (1). 3 of the submissions do not count toward it. Last evaluated 2026-02-01.

Conditions:
AHR-related disorder. Also called: AHR-related condition.

Allele frequency attached by ClinVar (database versions not stated): ESP Exome Variant Server 0.00100; 1000 Genomes Project 0.00140; 1000 Genomes Project 30x 0.00141; gnomAD exomes 0.00144 and 0.00217; gnomAD 0.00155 and 0.00170; ExAC 0.00186; TOPMed 0.00202.
gnomAD v4.1: 2,495 of 1,614,188 alleles (0.15%); highest among the groups gnomAD compares: Middle Eastern, 3.5%; 18 homozygotes.

Submissions (5):

CeGaT Center for Human Genetics Tuebingen
Classification: Likely benign. Last evaluated: 2026-02-01. Review status: criteria provided, single submitter. Criteria: CeGaT Center For Human Genetics Tuebingen Variant Classification Criteria Version 2. Collection method: clinical testing. Allele origin: germline. Affected: yes. Observed: 2 variant alleles.
Comment: AHR: BP4, BS2

Labcorp Genetics (formerly Invitae), Labcorp
Classification: Benign. Last evaluated: 2026-02-01. Review status: criteria provided, single submitter. Criteria: Invitae Variant Classification Sherloc (09022015). Collection method: clinical testing. Allele origin: germline.

PreventionGenetics, part of Exact Sciences
Classification: Benign for AHR-related condition. Last evaluated: 2019-06-07. Review status: no assertion criteria provided. Collection method: clinical testing. Allele origin: germline. Not counted in ClinVar's aggregate classification.
Comment: This variant is classified as benign based on ACMG/AMP sequence variant interpretation guidelines (Richards et al. 2015 PMID: 25741868, with internal and published modifications).

Clinical Genetics DNA and cytogenetics Diagnostics Lab, Erasmus MC, Erasmus Medical Center
Classification: Likely benign. Review status: no assertion criteria provided. Collection method: clinical testing. Allele origin: germline. Affected: yes. Study: VKGL Data-share Consensus. Not counted in ClinVar's aggregate classification.

Clinical Genetics, Academic Medical Center
Classification: Likely benign. Review status: no assertion criteria provided. Collection method: clinical testing. Allele origin: germline. Affected: yes. Study: VKGL Data-share Consensus. Not counted in ClinVar's aggregate classification.

NM_001621.5(AHR):c.1468A>G (p.Met490Val)

Gene: AHR (aryl hydrocarbon receptor; plus strand). Cytogenetic location: 7p21.1.
Variant type: single nucleotide variant.
Coding change: c.1468A>G on transcript NM_001621.5 (MANE Select); coding-DNA position 1468, A replaced by G.
Protein change: p.Met490Val; replaces methionine 490 with valine.
Molecular consequence: missense variant.
Genome position (GRCh38, 1-based): chr7:17,339,293, A>G. VCF-style: chr7-17339293-A-G. GRCh37 (hg19) VCF-style: chr7-17378917-A-G.
Other names: c.1468A>G (NM_001621.4); short protein forms M490V.
Identifiers: ClinVar variation 1164498 (VCV001164498.20), dbSNP rs61755968, ClinGen allele CA4172121.